The following is an entry in ClinVar:

ClinVar aggregate classification (germline): Uncertain significance (1 of 4 stars; one submission).

gnomAD v4.1: 1 of 1,605,928 alleles (0.000062%); highest among the groups gnomAD compares: Non-Finnish European, 0.000085%; no homozygotes.

Submission:

Labcorp Genetics (formerly Invitae), Labcorp
Classification: Uncertain significance. Last evaluated: 2025-12-29. Review status: criteria provided, single submitter. Criteria: Invitae Variant Classification Sherloc (09022015). Collection method: clinical testing. Allele origin: germline.
Comment: This sequence change falls in intron 7 of the RFWD3 gene. It does not directly change the encoded amino acid sequence of the RFWD3 protein. It affects a nucleotide within the consensus splice site. This variant is not present in population databases (gnomAD no frequency). This variant has not been reported in the literature in individuals affected with RFWD3-related conditions. Variants that disrupt the consensus splice site are a relatively common cause of aberrant splicing (PMID: 17576681, 9536098). Algorithms developed to predict the effect of sequence changes on RNA splicing suggest that this variant may disrupt the consensus splice site. In summary, the available evidence is currently insufficient to determine the role of this variant in disease. Therefore, it has been classified as a Variant of Uncertain Significance.

Literature cited by the submitters: PubMed 17576681; PubMed 9536098.

NM_018124.4(RFWD3):c.1194+5G>A

Gene: RFWD3 (ring finger and WD repeat domain 3; minus strand). Cytogenetic location: 16q23.1.
Variant type: single nucleotide variant.
Coding change: c.1194+5G>A on transcript NM_018124.4 (MANE Select); 5 bases into the intron after coding-DNA position 1194, G replaced by A.
Molecular consequence: intron variant.
Genome position (GRCh38, 1-based): chr16:74,637,851, C>T on the plus strand (G>A on the coding strand, the complement: RFWD3 is on the minus strand). VCF-style: chr16-74637851-C-T. GRCh37 (hg19) VCF-style: chr16-74671749-C-T.
Other names: c.1194+5G>A (NM_001370534.1, NM_001370536.1, NM_001370535.1); c.360+5G>A (NM_001370539.1, NM_001370537.1, NM_001370543.1 and 2 more transcripts).
Identifiers: ClinVar variation 4771061 (VCV004771061.1).
Genomic context (GRCh38, chr16:74,637,851, plus strand): 5'-CTAACATTAGCTTCCTCTTCCATTCCTATTCCAAAAGTTCTTTGGATTAGAAAGGACAAA[C>T]GTACCTGAACACGCCTTTGAAGCCTAGTGCACTTATCAGTGAGGACCTGCAGTTGGAGTC-3'